The following is an entry in ClinVar:

ClinVar aggregate classification (germline): Uncertain significance (1 of 4 stars; one submission).

Submission:

Greenwood Genetic Center Diagnostic Laboratories, Greenwood Genetic Center
Classification: Uncertain significance. Last evaluated: 2023-11-01. Review status: criteria provided, single submitter. Criteria: ACMG Guidelines, 2015. Collection method: clinical testing. Allele origin: germline. Affected: yes.
Comment: PM2, BP4, PP2

NM_001303256.3(MORC2):c.2998A>G (p.Asn1000Asp)

Gene: MORC2 (MORC family CW-type zinc finger 2; minus strand). Cytogenetic location: 22q12.2.
Variant type: single nucleotide variant.
Coding change: c.2998A>G on transcript NM_001303256.3 (MANE Select); coding-DNA position 2998, A replaced by G.
Protein change: p.Asn1000Asp; replaces asparagine 1000 with aspartic acid.
Molecular consequence: missense variant.
Genome position (GRCh38, 1-based): chr22:30,928,051, T>C on the plus strand (A>G on the coding strand, the complement: MORC2 is on the minus strand). VCF-style: chr22-30928051-T-C. GRCh37 (hg19) VCF-style: chr22-31324038-T-C.
Other names: c.2998A>G, p.Asn1000Asp (NM_001303257.2); c.2812A>G, p.Asn938Asp (NM_014941.3); short protein forms N938D, N1000D.
Identifiers: ClinVar variation 2692586 (VCV002692586.1), dbSNP rs2517556561, ClinGen allele CA411229667.